The following is an entry in ClinVar:

ClinVar aggregate classification (germline): Likely pathogenic (1 of 4 stars; one submission).

Conditions:
Autosomal recessive Alport syndrome (ATS2). Also called: COL4A3-Related Nephropathy; COL4A4 Alport Syndrome and Thin Basement Membrane Nephropathy; ALPORT SYNDROME 2, AUTOSOMAL RECESSIVE; Alport syndrome type 2. Identifiers: Orphanet 63, Orphanet 88919, MedGen C4746745, MONDO:0008762, OMIM 203780.

Submission:

Myriad Genetics, Inc.
Classification: Likely pathogenic for Autosomal recessive Alport syndrome. Last evaluated: 2022-02-25. Review status: criteria provided, single submitter. Criteria: Myriad Women's Health Autosomal Recessive and X-Linked Classification Criteria (2021). Collection method: clinical testing. Allele origin: unknown.
Comment: NM_000091.4(COL4A3):c.1042_1043delGAinsT(D348Sfs*52) is expected to be pathogenic in the context of COL4A3-related Alport syndrome. This variant is predicted to lead to an abnormal or absent protein product due to the creation of a premature termination codon in COL4A3, a gene where loss-of-function variants are known to be pathogenic. Please note: this variant was assessed in the context of healthy population screening.

NM_000091.5(COL4A3):c.1042_1043delinsT (p.Asp348fs)

Genes: MFF-DT (MFF divergent transcript; minus strand), COL4A3 (collagen type IV alpha 3 chain; plus strand). Cytogenetic location: 2q36.3.
Variant type: Indel.
Coding change: c.1042_1043delinsT on transcript NM_000091.5 (MANE Select); coding-DNA positions 1042 to 1043, GA replaced by T.
Protein change: p.Asp348fs; shifts the reading frame from aspartic acid 348.
Molecular consequence: frameshift variant.
Genome position (GRCh38, 1-based): chr2:227,259,805-227,259,806, GA replaced by T. VCF-style: chr2-227259805-GA-T. GRCh37 (hg19) VCF-style: chr2-228124521-GA-T.
Other names: short protein forms D348fs.
Identifiers: ClinVar variation 1724684 (VCV001724684.2), dbSNP rs2469607070, ClinGen allele CA2580065896.
Genomic context (GRCh38, chr2:227,259,805, plus strand): 5'-TCCATAAATAGCTATCCTTTCTCTGTATTTGTTTCTTTCTCCTCTAAGACAGAATATTAT[GA>T]CACATACCAGGAAAAGGGAGATGAAGGCACTCCAGGCCCACCAGGGCCCAGAGGAGCTCG-3'